The following is an entry in ClinVar:

ClinVar aggregate classification (germline): Likely benign (0 of 4 stars; one submission).

Conditions:
ZNF292-related disorder. Also called: ZNF292-related condition.

Allele frequency attached by ClinVar (database versions not stated): ExAC 0.00001; gnomAD 0.00001; TOPMed 0.00001.
gnomAD v4.1: 15 of 1,613,620 alleles (0.00093%); highest among the groups gnomAD compares: Middle Eastern, 0.016%; no homozygotes.

Submission:

PreventionGenetics, part of Exact Sciences
Classification: Likely benign for ZNF292-related condition. Last evaluated: 2023-08-15. Review status: no assertion criteria provided. Collection method: clinical testing. Allele origin: germline.
Comment: This variant is classified as likely benign based on ACMG/AMP sequence variant interpretation guidelines (Richards et al. 2015 PMID: 25741868, with internal and published modifications).

NM_015021.3(ZNF292):c.3543G>A (p.Ser1181=)

Gene: ZNF292 (zinc finger protein 292; plus strand). Cytogenetic location: 6q14.3.
Variant type: single nucleotide variant.
Coding change: c.3543G>A on transcript NM_015021.3 (MANE Select); coding-DNA position 3543, G replaced by A.
Protein change: p.Ser1181=; no amino-acid change (serine 1181 retained).
Molecular consequence: synonymous variant.
Genome position (GRCh38, 1-based): chr6:87,257,172, G>A. VCF-style: chr6-87257172-G-A. GRCh37 (hg19) VCF-style: chr6-87966890-G-A.
Other names: c.3123G>A, p.Ser1041= (NM_001351444.2).
Identifiers: ClinVar variation 3046850 (VCV003046850.2), dbSNP rs755184162, ClinGen allele CA3914133.